The following is an entry in ClinVar:

NM_006393.3(NEBL):c.2101C>A (p.Pro701Thr)

Genes: NEBL (nebulette; minus strand), LOC126860875 (MED14-independent group 3 enhancer GRCh37_chr10:21105746-21106945; plus strand). Cytogenetic location: 10p12.31.
Variant type: single nucleotide variant.
Coding change: c.2101C>A on transcript NM_006393.3 (MANE Select); coding-DNA position 2101, C replaced by A.
Protein change: p.Pro701Thr; replaces proline 701 with threonine.
Molecular consequence: missense variant. On other transcripts: intron variant (9).
Genome position (GRCh38, 1-based): chr10:20,817,647, G>T on the plus strand (C>A on the coding strand, the complement: NEBL is on the minus strand). VCF-style: chr10-20817647-G-T. GRCh37 (hg19) VCF-style: chr10-21106576-G-T.
Other names: p.P701T:CCA>ACA; c.250-4707C>A (NM_001377326.1, NM_001377327.1, NM_001377328.1); c.358-4707C>A (NM_213569.2, NM_001173484.2, NM_001377322.1); c.301-4707C>A (NM_001377324.1); c.292-4707C>A (NM_001377325.1); c.310-4707C>A (NM_001377323.1); short protein forms P701T.
Identifiers: ClinVar variation 201909 (VCV000201909.15), dbSNP rs371551337, ClinGen allele CA335370.

ClinVar aggregate classification (germline): Uncertain significance. Review status: criteria provided, multiple submitters, no conflicts (2 of 4 stars). 3 submissions from 3 submitters: Uncertain significance (3). Last evaluated 2025-11-16.

Conditions:
Primary dilated cardiomyopathy (DCM). Also called: Dilated Cardiomyopathy. Identifiers: Orphanet 217604, MedGen C0007193, MeSH D002311, MONDO:0005021, HP:0001644. Inheritance: Various modes of inheritance.

Allele frequency attached by ClinVar (database versions not stated): gnomAD exomes 0.00004; ExAC 0.00006; ESP Exome Variant Server 0.00008; TOPMed 0.00012; gnomAD 0.00014 and 0.00016.
gnomAD v4.1: 48 of 1,613,816 alleles (0.003%); highest among the groups gnomAD compares: African/African-American, 0.064%; no homozygotes.

Submissions (3):

Labcorp Genetics (formerly Invitae), Labcorp
Classification: Uncertain significance for Primary dilated cardiomyopathy. Last evaluated: 2025-11-16. Review status: criteria provided, single submitter. Criteria: Invitae Variant Classification Sherloc (09022015). Collection method: clinical testing. Allele origin: germline.
Comment: This sequence change replaces proline, which is neutral and non-polar, with threonine, which is neutral and polar, at codon 701 of the NEBL protein (p.Pro701Thr). This variant is present in population databases (rs371551337, gnomAD 0.07%), and has an allele count higher than expected for a pathogenic variant. This variant has not been reported in the literature in individuals affected with NEBL-related conditions. ClinVar contains an entry for this variant (Variation ID: 201909). An algorithm developed to predict the effect of missense changes on protein structure and function (PolyPhen-2) suggests that this variant is likely to be tolerated. In summary, the available evidence is currently insufficient to determine the role of this variant in disease. Therefore, it has been classified as a Variant of Uncertain Significance.

Ambry Genetics
Classification: Uncertain significance. Last evaluated: 2025-07-09. Review status: criteria provided, single submitter. Criteria: Ambry Variant Classification Scheme 2023. Collection method: clinical testing. Allele origin: germline.
Comment: The p.P701T variant (also known as c.2101C>A), located in coding exon 21 of the NEBL gene, results from a C to A substitution at nucleotide position 2101. The proline at codon 701 is replaced by threonine, an amino acid with highly similar properties. This amino acid position is conserved. In addition, this alteration is predicted to be tolerated by in silico analysis. Since supporting evidence is limited at this time, the clinical significance of this alteration remains unclear.

GeneDx
Classification: Uncertain significance. Last evaluated: 2014-10-08. Review status: criteria provided, single submitter. Criteria: GeneDx Variant Classification (06012015). Collection method: clinical testing. Allele origin: germline. Affected: yes.
Comment: p.Pro701Thr (CCA>ACA): c.2101 C>A in exon 21 of the NEBL gene (NM_006393.2). The P701T variant has not been published as a mutation, nor has it been reported as a benign polymorphism to our knowledge. The P701T variant was not observed with any significant frequency in approximately 6,500 individuals of European and African American ancestry in the NHLBI Exome Sequencing Project. The P701T variant is a non-conservative amino acid substitution, which is likely to impact secondary protein structure as these residues differ in polarity, charge, size and/or other properties. This substitution occurs at a position that is class-conserved within mammals. However, in silico analysis predicts this variant likely does not alter the protein structure/function. Additionally, missense mutations in nearby residues have not been reported, indicating this region of the protein may tolerate change. Therefore, based on the currently available information, it is unclear whether this variant is a pathogenic mutation or a rare benign variant. The variant is found in CARDIOMYOPATHY panel(s).